The following is an entry in ClinVar:

ClinVar aggregate classification (germline): Benign/Likely benign. Review status: criteria provided, multiple submitters, no conflicts (2 of 4 stars). 12 submissions from 12 submitters: Benign (5); Likely benign (7). Last evaluated 2026-07-01.

Conditions:
Orofaciodigital syndrome type 6 (OFD6). Also called: OROFACIODIGITAL SYNDROME VI; OFDS VI; POLYDACTYLY, CLEFT LIP/PALATE OR LINGUAL LUMP, AND PSYCHOMOTOR RETARDATION; VARADI SYNDROME; VARADI-PAPP SYNDROME; Oral-facial-digital syndrome type 6. Identifiers: Orphanet 2754, MedGen C2745997, MONDO:0010176, OMIM 277170.
Joubert syndrome 17 (JBTS17). Identifiers: Orphanet 475, MedGen C3553264, MONDO:0013824, OMIM 614615.

Allele frequency attached by ClinVar (database versions not stated): 1000 Genomes Project 0.00260; 1000 Genomes Project 30x 0.00297; TOPMed 0.00623; ExAC 0.00658; gnomAD exomes 0.00662 and 0.01106; gnomAD 0.00699 and 0.00719; ESP Exome Variant Server 0.00915.
gnomAD v4.1: 17,012 of 1,612,882 alleles (1.1%); highest among the groups gnomAD compares: Non-Finnish European, 1.3%; 115 homozygotes.

Submissions (12):

CeGaT Center for Human Genetics Tuebingen
Classification: Benign. Last evaluated: 2026-07-01. Review status: criteria provided, single submitter. Criteria: CeGaT Center For Human Genetics Tuebingen Variant Classification Criteria Version 2. Collection method: clinical testing. Allele origin: germline. Affected: yes. Observed: 21 variant alleles.
Comment: CPLANE1: BP4, BS1, BS2

Labcorp Genetics (formerly Invitae), Labcorp
Classification: Benign. Last evaluated: 2026-02-04. Review status: criteria provided, single submitter. Criteria: Invitae Variant Classification Sherloc (09022015). Collection method: clinical testing. Allele origin: germline.

Mayo Clinic Laboratories, Mayo Clinic
Classification: Likely benign. Last evaluated: 2025-09-24. Review status: criteria provided, single submitter. Criteria: ACMG Guidelines, 2015. Collection method: clinical testing. Allele origin: germline. Observed: 1 variant allele.
Comment: BS1, BP4

Blueprint Genetics
Classification: Likely benign. Last evaluated: 2024-11-22. Review status: criteria provided, single submitter. Criteria: ACMG Guidelines, 2015. Collection method: clinical testing. Allele origin: germline.

Fulgent Genetics
Classification: Likely benign for Orofaciodigital syndrome type 6; Joubert syndrome 17. Last evaluated: 2021-09-14. Review status: criteria provided, single submitter. Criteria: ACMG Guidelines, 2015. Collection method: clinical testing. Allele origin: unknown.

GeneDx
Classification: Benign. Last evaluated: 2019-07-03. Review status: criteria provided, single submitter. Criteria: GeneDx Variant Classification Process June 2021. Collection method: clinical testing. Allele origin: germline. Affected: yes.
Comment: This variant is associated with the following publications: (PMID: 25905921)

Illumina Laboratory Services, Illumina
Classification: Likely benign for Joubert syndrome 17. Last evaluated: 2018-01-13. Review status: criteria provided, single submitter. Criteria: ICSL Variant Classification Criteria 13 December 2019. Collection method: clinical testing. Allele origin: germline.
Comment: This variant was observed in the ICSL laboratory as part of a predisposition screen in an ostensibly healthy population. It had not been previously curated by ICSL or reported in the Human Gene Mutation Database (HGMD: prior to June 1st, 2018), and was therefore a candidate for classification through an automated scoring system. Utilizing variant allele frequency, disease prevalence and penetrance estimates, and inheritance mode, an automated score was calculated to assess if this variant is too frequent to cause the disease. Based on the score and internal cut-off values, a variant classified as likely benign is not then subjected to further curation. The score for this variant resulted in a classification of likely benign for this disease.

Clinical Genetics DNA and cytogenetics Diagnostics Lab, Erasmus MC, Erasmus Medical Center
Classification: Likely benign for Joubert syndrome 17. Last evaluated: 2015-09-21. Review status: criteria provided, single submitter. Criteria: ACGS Guidelines, 2013. Collection method: clinical testing. Allele origin: germline. Affected: yes. Study: VKGL Data-share Consensus.

Genome Diagnostics Laboratory, University Medical Center Utrecht
Classification: Benign for Joubert syndrome 17. Last evaluated: 2014-10-09. Review status: criteria provided, single submitter. Criteria: ACGS Guidelines, 2013. Collection method: clinical testing. Allele origin: germline. Affected: yes. Study: VKGL Data-share Consensus.

Genetic Services Laboratory, University of Chicago
Classification: Likely benign. Last evaluated: 2014-04-04. Review status: criteria provided, single submitter. Criteria: ACMG Guidelines, 2007. Collection method: clinical testing. Allele origin: germline. Inheritance: Autosomal recessive inheritance.
Comment: Likely benign based on allele frequency in 1000 Genomes Project or ESP global frequency and its presence in a patient with a rare or unrelated disease phenotype. NOT Sanger confirmed

Breakthrough Genomics
Classification: Likely benign. Review status: criteria provided, single submitter. Criteria: ACMG Guidelines, 2015. Collection method: not provided. Allele origin: germline. Inheritance: Autosomal recessive inheritance. Affected: yes.

PreventionGenetics, part of Exact Sciences
Classification: Benign. Review status: criteria provided, single submitter. Criteria: ACMG Guidelines, 2015. Collection method: clinical testing. Allele origin: germline.

NM_001384732.1(CPLANE1):c.8344C>A (p.Pro2782Thr)

Gene: CPLANE1 (ciliogenesis and planar polarity effector complex subunit 1; minus strand). Cytogenetic location: 5p13.2.
Variant type: single nucleotide variant.
Coding change: c.8344C>A on transcript NM_001384732.1 (MANE Select); coding-DNA position 8344, C replaced by A.
Protein change: p.Pro2782Thr; replaces proline 2782 with threonine.
Molecular consequence: missense variant.
Genome position (GRCh38, 1-based): chr5:37,153,769, G>T on the plus strand (C>A on the coding strand, the complement: CPLANE1 is on the minus strand). VCF-style: chr5-37153769-G-T. GRCh37 (hg19) VCF-style: chr5-37153871-G-T.
Other names: p.Pro2728Thr; c.8182C>A, p.Pro2728Thr (NM_023073.4); short protein forms P2728T, P2782T.
Identifiers: ClinVar variation 158055 (VCV000158055.53), dbSNP rs77014998, ClinGen allele CA171466.